The following is an entry in ClinVar:

NM_198576.4(AGRN):c.4090G>A (p.Ala1364Thr)

Gene: AGRN (agrin; plus strand). Cytogenetic location: 1p36.33.
Variant type: single nucleotide variant.
Coding change: c.4090G>A on transcript NM_198576.4 (MANE Select); coding-DNA position 4090, G replaced by A.
Protein change: p.Ala1364Thr; replaces alanine 1364 with threonine.
Molecular consequence: missense variant.
Genome position (GRCh38, 1-based): chr1:1,048,350, G>A. VCF-style: chr1-1048350-G-A. GRCh37 (hg19) VCF-style: chr1-983730-G-A.
Other names: c.4090G>A, p.Ala1364Thr (NM_001305275.2); c.3775G>A, p.Ala1259Thr (NM_001364727.2); short protein forms A1259T, A1364T.
Identifiers: ClinVar variation 644929 (VCV000644929.9), dbSNP rs375639071, ClinGen allele CA509311.

ClinVar aggregate classification (germline): Conflicting classifications of pathogenicity. Review status: criteria provided, conflicting classifications (1 of 4 stars). 2 submissions from 2 submitters: Uncertain significance (1); Likely benign (1). Last evaluated 2024-08-14.

Conditions:
Inborn genetic diseases. Identifiers: MedGen C0950123, MeSH D030342.
Congenital myasthenic syndrome 8. Also called: MYASTHENIC SYNDROME, CONGENITAL, DUE TO AGRIN DEFICIENCY; Myasthenic syndrome, congenital, 8, with pre- and postsynaptic defects. Identifiers: Orphanet 590, MedGen C3808739, MONDO:0014052, OMIM 615120.

Allele frequency attached by ClinVar (database versions not stated): gnomAD exomes 0.00004 and 0.00006; gnomAD 0.00008 and 0.00009; TOPMed 0.00008; ESP Exome Variant Server 0.00019; ExAC 0.00049.
gnomAD v4.1: 85 of 1,466,072 alleles (0.0058%); highest among the groups gnomAD compares: Non-Finnish European, 0.0063%; no homozygotes.

Submissions (2):

Ambry Genetics
Classification: Likely benign for Inborn genetic diseases. Last evaluated: 2024-08-14. Review status: criteria provided, single submitter. Criteria: Ambry Variant Classification Scheme 2023. Collection method: clinical testing. Allele origin: germline.

Labcorp Genetics (formerly Invitae), Labcorp
Classification: Uncertain significance for Congenital myasthenic syndrome 8. Last evaluated: 2022-07-30. Review status: criteria provided, single submitter. Criteria: Invitae Variant Classification Sherloc (09022015). Collection method: clinical testing. Allele origin: germline.
Comment: This sequence change replaces alanine, which is neutral and non-polar, with threonine, which is neutral and polar, at codon 1364 of the AGRN protein (p.Ala1364Thr). The frequency data for this variant in the population databases is considered unreliable, as metrics indicate poor data quality at this position in the gnomAD database. This variant has not been reported in the literature in individuals affected with AGRN-related conditions. ClinVar contains an entry for this variant (Variation ID: 644929). Algorithms developed to predict the effect of missense changes on protein structure and function output the following: SIFT: "Tolerated"; PolyPhen-2: "Benign"; Align-GVGD: "Class C0". The threonine amino acid residue is found in multiple mammalian species, which suggests that this missense change does not adversely affect protein function. In summary, the available evidence is currently insufficient to determine the role of this variant in disease. Therefore, it has been classified as a Variant of Uncertain Significance.